The following is an entry in ClinVar:

NM_000037.4(ANK1):c.452C>A (p.Ala151Asp)

Genes: ANK1 (ankyrin 1; minus strand), LOC124153154 (Sharpr-MPRA regulatory region 1462; plus strand). Cytogenetic location: 8p11.21.
Variant type: single nucleotide variant.
Coding change: c.452C>A on transcript NM_000037.4 (MANE Select); coding-DNA position 452, C replaced by A.
Protein change: p.Ala151Asp; replaces alanine 151 with aspartic acid.
Molecular consequence: missense variant.
Genome position (GRCh38, 1-based): chr8:41,725,921, G>T on the plus strand (C>A on the coding strand, the complement: ANK1 is on the minus strand). VCF-style: chr8-41725921-G-T. GRCh37 (hg19) VCF-style: chr8-41583439-G-T.
Other names: c.551C>A, p.Ala184Asp (NM_001142446.2); c.452C>A, p.Ala151Asp (NM_020475.3, NM_020476.3, NM_020477.3); short protein forms A151D, A184D.
Identifiers: ClinVar variation 2637207 (VCV002637207.1), dbSNP rs2486988372, ClinGen allele CA371044785.

ClinVar aggregate classification (germline): Uncertain significance (1 of 4 stars; one submission).

Conditions:
ANK1-related disorder. Also called: ANK1-related condition.

Submission:

PreventionGenetics, part of Exact Sciences
Classification: Uncertain significance for ANK1-related condition. Last evaluated: 2022-09-29. Review status: criteria provided, single submitter. Criteria: ACMG Guidelines, 2015. Collection method: clinical testing. Allele origin: germline.
Comment: The ANK1 c.452C>A variant is predicted to result in the amino acid substitution p.Ala151Asp. To our knowledge, this variant has not been reported in the literature or in a large population database, indicating this variant is rare. At this time, the clinical significance of this variant is uncertain due to the absence of conclusive functional and genetic evidence.